The following is an entry in ClinVar:

NM_001267550.2(TTN):c.915-2A>G

Gene: TTN (titin; minus strand). Cytogenetic location: 2q31.2.
Variant type: single nucleotide variant.
Coding change: c.915-2A>G on transcript NM_001267550.2 (MANE Select); the canonical splice acceptor site of the intron before coding-DNA position 915, A replaced by G.
Molecular consequence: splice acceptor variant.
Genome position (GRCh38, 1-based): chr2:178,795,254, T>C on the plus strand (A>G on the coding strand, the complement: TTN is on the minus strand). VCF-style: chr2-178795254-T-C. GRCh37 (hg19) VCF-style: chr2-179659981-T-C.
Other names: c.915-2A>G (NM_003319.4, NM_133437.4, NM_133432.3 and 3 more transcripts).
Identifiers: ClinVar variation 2119745 (VCV002119745.4), dbSNP rs2534099563, ClinGen allele CA349520094.
Genomic context (GRCh38, chr2:178,795,254, plus strand): 5'-ATGGAGACCTAACAGACCTGATGGGGGATGTGGAGATTCTTGCTGCTGGAGACACGGACC[T>C]GAAAACCAAAAGGCAGAGGTCAAGAATGTCAAAGCAAGGAGGGGTAACTGGATGTGAATC-3'

ClinVar aggregate classification (germline): Likely pathogenic (1 of 4 stars; one submission).

Conditions:
Autosomal recessive limb-girdle muscular dystrophy type 2J (LGMDR10). Also called: Limb-girdle muscular dystrophy, type 2J; MUSCULAR DYSTROPHY, LIMB-GIRDLE, AUTOSOMAL RECESSIVE 10. Identifiers: Orphanet 140922, MedGen C1837342, MONDO:0012127, OMIM 608807.
Dilated cardiomyopathy 1G (CMD1G). Identifiers: Orphanet 154, MedGen C1858763, MONDO:0011400, OMIM 604145.

Submission:

Labcorp Genetics (formerly Invitae), Labcorp
Classification: Likely pathogenic for Dilated cardiomyopathy 1G; Autosomal recessive limb-girdle muscular dystrophy type 2J. Last evaluated: 2024-10-18. Review status: criteria provided, single submitter. Criteria: Invitae Variant Classification Sherloc (09022015). Collection method: clinical testing. Allele origin: germline.
Comment: This sequence change affects an acceptor splice site in intron 6 of the TTN gene. It is expected to disrupt RNA splicing and likely results in a truncated or disrupted TTN protein. This variant is not present in population databases (gnomAD no frequency). This variant has not been reported in the literature in individuals affected with TTN-related conditions. ClinVar contains an entry for this variant (Variation ID: 2119745). Algorithms developed to predict the effect of sequence changes on RNA splicing suggest that this variant may disrupt the consensus splice site. This variant is located in the Z band of TTN (PMID: 25589632). Truncating variants in this region have been reported in individuals affected with autosomal recessive centronuclear myopathy (PMID: 33449170, internal data). Truncating variants in this region have also been identified in individuals affected with autosomal dominant dilated cardiomyopathy and/or cardio-related conditions (PMID: 27869827, 32964742, internal data). In summary, the currently available evidence indicates that the variant is pathogenic, but additional data are needed to prove that conclusively. Therefore, this variant has been classified as Likely Pathogenic.

Literature cited by the submitters: PubMed 25589632; PubMed 33449170; PubMed 27869827; PubMed 32964742.